The following is an entry in ClinVar:

NM_004456.5(EZH2):c.1947+236T>C

Gene: EZH2 (enhancer of zeste 2 polycomb repressive complex 2 subunit; minus strand). Cytogenetic location: 7q36.1.
Variant type: single nucleotide variant.
Coding change: c.1947+236T>C on transcript NM_004456.5 (MANE Select); 236 bases into the intron after coding-DNA position 1947, T replaced by C.
Molecular consequence: intron variant.
Genome position (GRCh38, 1-based): chr7:148,811,389, A>G on the plus strand (T>C on the coding strand, the complement: EZH2 is on the minus strand). VCF-style: chr7-148811389-A-G. GRCh37 (hg19) VCF-style: chr7-148508481-A-G.
Other names: c.1905+236T>C (NM_001203248.2); c.1815+236T>C (NM_152998.3); c.1932+236T>C (NM_001203247.2); c.1779+236T>C (NM_001203249.2).
Identifiers: ClinVar variation 680126 (VCV000680126.1), dbSNP rs2270205, ClinGen allele CA12524886.

ClinVar aggregate classification (germline): Benign (1 of 4 stars; one submission).

Allele frequency attached by ClinVar (database versions not stated): gnomAD 0.79131; 1000 Genomes Project 0.80012; 1000 Genomes Project 30x 0.80559; TOPMed 0.82826.
gnomAD v4.1: 122,836 of 152,112 alleles (81%); highest among the groups gnomAD compares: African/African-American, 95%; 50,347 homozygotes.

Submission:

GeneDx
Classification: Benign. Last evaluated: 2018-06-19. Review status: criteria provided, single submitter. Criteria: GeneDx Variant Classification (06012015). Collection method: clinical testing. Allele origin: germline. Affected: yes.
Comment: This variant is considered likely benign or benign based on one or more of the following criteria: it is a conservative change, it occurs at a poorly conserved position in the protein, it is predicted to be benign by multiple in silico algorithms, and/or has population frequency not consistent with disease.